The following is an entry in ClinVar:

NM_000836.4(GRIN2D):c.401C>A (p.Ser134Ter)

Genes: GRIN2D (glutamate ionotropic receptor NMDA type subunit 2D; plus strand), LOC130064856 (ATAC-STARR-seq lymphoblastoid silent region 10880; plus strand). Cytogenetic location: 19q13.33.
Variant type: single nucleotide variant.
Coding change: c.401C>A on transcript NM_000836.4 (MANE Select); coding-DNA position 401, C replaced by A.
Protein change: p.Ser134Ter; replaces serine 134 with a stop codon.
Molecular consequence: nonsense.
Genome position (GRCh38, 1-based): chr19:48,398,793, C>A. VCF-style: chr19-48398793-C-A. GRCh37 (hg19) VCF-style: chr19-48902050-C-A.
Other names: short protein forms S134*.
Identifiers: ClinVar variation 2428937 (VCV002428937.6), dbSNP rs2516062865, ClinGen allele CA406689150.
Genomic context (GRCh38, chr19:48,398,793, plus strand): 5'-GCGTGGTCTTCGAAGACGACTCGCGCGCGCCCGCCGTCGCGCCCATCCTCGACTTCCTGT[C>A]GGCGCAGACCTCGCTGCCCATCGTGGCCGTGCACGGCGGCGCCGCGCTCGTGCTCACGCC-3'

ClinVar aggregate classification (germline): Uncertain significance (1 of 4 stars; one submission).

Conditions:
GRIN2D-related disorder. Also called: GRIN2D-related condition.

Submission:

GeneDx
Classification: Uncertain significance. Last evaluated: 2024-04-29. Review status: criteria provided, single submitter. Criteria: GeneDx Variant Classification Process June 2021. Collection method: clinical testing. Allele origin: germline.
Comment: Not observed at significant frequency in large population cohorts (gnomAD); Nonsense variant predicted to result in protein truncation or nonsense mediated decay in a gene or region of a gene for which loss of function is not a well-established mechanism of disease; Has not been previously published as pathogenic or benign to our knowledge